The following is an entry in ClinVar:

NM_004423.4(DVL3):c.145A>G (p.Met49Val)

Gene: DVL3 (dishevelled segment polarity protein 3; plus strand). Cytogenetic location: 3q27.1.
Variant type: single nucleotide variant.
Coding change: c.145A>G on transcript NM_004423.4 (MANE Select); coding-DNA position 145, A replaced by G.
Protein change: p.Met49Val; replaces methionine 49 with valine.
Molecular consequence: missense variant.
Genome position (GRCh38, 1-based): chr3:184,155,780, A>G. VCF-style: chr3-184155780-A-G. GRCh37 (hg19) VCF-style: chr3-183873568-A-G.
Other names: short protein forms M49V.
Identifiers: ClinVar variation 1942858 (VCV001942858.5), dbSNP rs776656546, ClinGen allele CA2726972.

ClinVar aggregate classification (germline): Uncertain significance (1 of 4 stars; one submission).

Allele frequency attached by ClinVar (database versions not stated): gnomAD exomes below 0.00001; ExAC 0.00002.
gnomAD v4.1: 6 of 1,610,176 alleles (0.00037%); highest among the groups gnomAD compares: Middle Eastern, 0.017%; no homozygotes.

Submission:

Labcorp Genetics (formerly Invitae), Labcorp
Classification: Uncertain significance. Last evaluated: 2022-06-04. Review status: criteria provided, single submitter. Criteria: Invitae Variant Classification Sherloc (09022015). Collection method: clinical testing. Allele origin: germline.
Comment: In summary, the available evidence is currently insufficient to determine the role of this variant in disease. Therefore, it has been classified as a Variant of Uncertain Significance. Algorithms developed to predict the effect of missense changes on protein structure and function are either unavailable or do not agree on the potential impact of this missense change (SIFT: "Deleterious"; PolyPhen-2: "Benign"; Align-GVGD: "Class C0"). This variant has not been reported in the literature in individuals affected with DVL3-related conditions. This variant is present in population databases (rs776656546, gnomAD 0.002%). This sequence change replaces methionine, which is neutral and non-polar, with valine, which is neutral and non-polar, at codon 49 of the DVL3 protein (p.Met49Val).